The following is an entry in ClinVar:

ClinVar aggregate classification (germline): Uncertain significance (0 of 4 stars; one submission).

Conditions:
Fanconi anemia complementation group A (FANCA). Also called: Fanconi anemia, group A; FANCA-Related Fanconi Anemia. Identifiers: Orphanet 84, MedGen C3469521, MONDO:0009215, OMIM 227650.

Submission:

Leiden Open Variation Database
Classification: Uncertain significance for Fanconi anemia complementation group A. Last evaluated: 2020-02-28. Review status: no assertion criteria provided. Collection method: curation. Allele origin: germline. Affected: yes.
Comment: Curator: Arleen D. Auerbach. Submitter to LOVD: Arleen D. Auerbach.

Literature cited by the submitters: PubMed 23613520.

NM_000135.4(FANCA):c.1471-738_1627-883del

Gene: FANCA (FA complementation group A; minus strand). Cytogenetic location: 16q24.3.
Variant type: Deletion.
Coding change: c.1471-738_1627-883del on transcript NM_000135.4 (MANE Select); 738 bases into the intron before coding-DNA position 1471 through 883 bases into the intron before coding-DNA position 1627, 3,001 bases deleted.
Molecular consequence: splice acceptor variant, splice donor variant.
Genome position (GRCh38, 1-based): chr16:89,780,840-89,783,840, 3,001 bases deleted. GRCh37 (hg19): chr16:89,847,248-89,850,248.
Other names: c.1471-738_1627-883del (NM_001286167.3).
Identifiers: ClinVar variation 974217 (VCV000974217.1), ClinGen allele CA1139665026.